The following is an entry in ClinVar:

NM_000286.3(PEX12):c.388C>T (p.Leu130=)

Gene: PEX12 (peroxisomal biogenesis factor 12; minus strand). Cytogenetic location: 17q12.
Variant type: single nucleotide variant.
Coding change: c.388C>T on transcript NM_000286.3 (MANE Select); coding-DNA position 388, C replaced by T.
Protein change: p.Leu130=; no amino-acid change (leucine 130 retained).
Molecular consequence: synonymous variant.
Genome position (GRCh38, 1-based): chr17:35,577,330, G>A on the plus strand (C>T on the coding strand, the complement: PEX12 is on the minus strand). VCF-style: chr17-35577330-G-A. GRCh37 (hg19) VCF-style: chr17-33904349-G-A.
Other names: c.388C>T (NM_000286.2).
Identifiers: ClinVar variation 1090529 (VCV001090529.11), dbSNP rs773967871, ClinGen allele CA8504916.

ClinVar aggregate classification (germline): Likely benign. Review status: criteria provided, multiple submitters, no conflicts (2 of 4 stars). 3 submissions from 3 submitters: Likely benign (3). Last evaluated 2026-05-15.

Conditions:
PEX12-related disorder. Also called: PEX12-related condition; PEX12-related disorders.
Peroxisome biogenesis disorder 3A (Zellweger). Also called: PEROXISOMAL BIOGENESIS DISORDER 3A (ZELLWEGER); Peroxisome biogenesis disorder 3A. Identifiers: Orphanet 912, MedGen C3553929, MONDO:0013927, OMIM 614859.

Allele frequency attached by ClinVar (database versions not stated): gnomAD exomes 0.00001; ExAC 0.00002.

Submissions (3):

PreventionGenetics, part of Exact Sciences
Classification: Likely benign for PEX12-related condition. Last evaluated: 2026-05-15. Review status: criteria provided, single submitter. Criteria: ACMG Guidelines, 2015. Collection method: clinical testing. Allele origin: germline.
Comment: This variant is classified as likely benign based on ACMG/AMP sequence variant interpretation guidelines (Richards et al. 2015 PMID: 25741868, with internal and published modifications).

Labcorp Genetics (formerly Invitae), Labcorp
Classification: Likely benign for Peroxisome biogenesis disorder 3A (Zellweger). Last evaluated: 2026-01-26. Review status: criteria provided, single submitter. Criteria: Invitae Variant Classification Sherloc (09022015). Collection method: clinical testing. Allele origin: germline.

Blueprint Genetics
Classification: Likely benign. Last evaluated: 2024-08-28. Review status: criteria provided, single submitter. Criteria: ACMG Guidelines, 2015. Collection method: clinical testing. Allele origin: germline.